The following is an entry in ClinVar:

ClinVar aggregate classification (germline): Uncertain significance. Review status: criteria provided, multiple submitters, no conflicts (2 of 4 stars). 3 submissions from 3 submitters: Uncertain significance (3). Last evaluated 2025-12-03.

Conditions:
Ehlers-Danlos syndrome (EDS). Identifiers: Orphanet 98249, MedGen C0013720, MONDO:0020066.
Ehlers-Danlos syndrome, classic type, 1 (EDSCL1). Also called: EDS I; Ehlers-Danlos syndrome, type 1; EHLERS-DANLOS SYNDROME, GRAVIS TYPE; EHLERS-DANLOS SYNDROME, SEVERE CLASSIC TYPE; Ehlers-Danlos Syndrome, Classic Type, COL5A1-Related. Identifiers: MedGen C0268335, MONDO:0019567, OMIM 130000.
Osteogenesis imperfecta type I (OI1). Also called: Osteogenesis imperfecta type 1; Lobstein's Disease; OI, TYPE I; OSTEOGENESIS IMPERFECTA TARDA; OSTEOGENESIS IMPERFECTA WITH BLUE SCLERAE; Lobstein disease. Identifiers: Orphanet 216796, Orphanet 666, MedGen C0023931, MONDO:0008146, OMIM 166200. Disease mechanism: loss of function.
Cardiovascular phenotype. Identifiers: MedGen CN230736.

Allele frequency attached by ClinVar (database versions not stated): TOPMed 0.00002; gnomAD exomes below 0.00001; gnomAD 0.00001.
gnomAD v4.1: 14 of 1,613,934 alleles (0.00087%); highest among the groups gnomAD compares: Non-Finnish European, 0.0011%; no homozygotes.

Submissions (3):

Ambry Genetics
Classification: Uncertain significance for Cardiovascular phenotype. Last evaluated: 2025-12-03. Review status: criteria provided, single submitter. Criteria: Ambry Variant Classification Scheme 2023. Collection method: clinical testing. Allele origin: germline.
Comment: The p.P936A variant (also known as c.2806C>G), located in coding exon 43 of the COL1A2 gene, results from a C to G substitution at nucleotide position 2806. The proline at codon 936 is replaced by alanine, an amino acid with highly similar properties. This amino acid position is highly conserved in available vertebrate species. In addition, the in silico prediction for this alteration is inconclusive. Based on the available evidence, the clinical significance of this variant remains unclear.

Labcorp Genetics (formerly Invitae), Labcorp
Classification: Uncertain significance for Osteogenesis imperfecta type I; Ehlers-Danlos syndrome, classic type, 1. Last evaluated: 2024-08-07. Review status: criteria provided, single submitter. Criteria: Invitae Variant Classification Sherloc (09022015). Collection method: clinical testing. Allele origin: germline.
Comment: This sequence change replaces proline, which is neutral and non-polar, with alanine, which is neutral and non-polar, at codon 936 of the COL1A2 protein (p.Pro936Ala). This variant is present in population databases (no rsID available, gnomAD 0.0009%). This variant has not been reported in the literature in individuals affected with COL1A2-related conditions. ClinVar contains an entry for this variant (Variation ID: 1702192). Advanced modeling of protein sequence and biophysical properties (such as structural, functional, and spatial information, amino acid conservation, physicochemical variation, residue mobility, and thermodynamic stability) performed at Invitae indicates that this missense variant is not expected to disrupt COL1A2 protein function with a negative predictive value of 95%. In summary, the available evidence is currently insufficient to determine the role of this variant in disease. Therefore, it has been classified as a Variant of Uncertain Significance.

Genome Diagnostics Laboratory, The Hospital for Sick Children
Classification: Uncertain significance for Ehlers-Danlos syndrome. Last evaluated: 2022-06-23. Review status: criteria provided, single submitter. Criteria: ACMG Guidelines, 2015. Collection method: clinical testing. Allele origin: germline.

NM_000089.4(COL1A2):c.2806C>G (p.Pro936Ala)

Gene: COL1A2 (collagen type I alpha 2 chain; plus strand). Cytogenetic location: 7q21.3.
Variant type: single nucleotide variant.
Coding change: c.2806C>G on transcript NM_000089.4 (MANE Select); coding-DNA position 2806, C replaced by G.
Protein change: p.Pro936Ala; replaces proline 936 with alanine.
Molecular consequence: missense variant.
Genome position (GRCh38, 1-based): chr7:94,425,634, C>G. VCF-style: chr7-94425634-C-G. GRCh37 (hg19) VCF-style: chr7-94054946-C-G.
Other names: short protein forms P936A.
Identifiers: ClinVar variation 1702192 (VCV001702192.7), dbSNP rs1020235088, ClinGen allele CA162939751.
Genomic context (GRCh38, chr7:94,425,634, plus strand): 5'-TCACCAACAGCCTTAATTTGTGTGGTGTCTTCACAGGGCAACCCTGGGAACGATGGTCCC[C>G]CAGGTCGCGATGGTCAACCCGGACACAAGGTCAGTACACTTTTCATCTTTCTCTAATTCA-3'
Protein context (NP_000080.2, residues 926-946): RDGNPGNDGP[Pro936Ala]GRDGQPGHKG